The following is an entry in ClinVar:

NM_004526.4(MCM2):c.1025C>A (p.Ser342Tyr)

Gene: MCM2 (minichromosome maintenance complex component 2; plus strand). Cytogenetic location: 3q21.3.
Variant type: single nucleotide variant.
Coding change: c.1025C>A on transcript NM_004526.4 (MANE Select); coding-DNA position 1025, C replaced by A.
Protein change: p.Ser342Tyr; replaces serine 342 with tyrosine.
Molecular consequence: missense variant. On other transcripts: non-coding transcript variant (1).
Genome position (GRCh38, 1-based): chr3:127,606,741, C>A. VCF-style: chr3-127606741-C-A. GRCh37 (hg19) VCF-style: chr3-127325584-C-A.
Other names: c.1025C>A (NM_004526.2); short protein forms S342Y.
Identifiers: ClinVar variation 3716721 (VCV003716721.3).
Genomic context (GRCh38, chr3:127,606,741, plus strand): 5'-TCAGCATGGTCAAGTACAACTGCAACAAGTGCAATTTCGTCCTGGGTCCTTTCTGCCAGT[C>A]CCAGAACCAGGAGGTGAAACCAGGCTCCTGTCCTGAGTGCCAGTCGGCCGGCCCCTTTGA-3'
Protein context (NP_004517.2, residues 332-352): CNFVLGPFCQ[Ser342Tyr]QNQEVKPGSC

ClinVar aggregate classification (germline): Uncertain significance. Review status: criteria provided, multiple submitters, no conflicts (2 of 4 stars). 2 submissions from 2 submitters: Uncertain significance (2). Last evaluated 2025-01-20.

gnomAD v4.1: 115 of 1,614,112 alleles (0.0071%); highest among the groups gnomAD compares: Non-Finnish European, 0.0093%; no homozygotes.

Submissions (2):

Labcorp Genetics (formerly Invitae), Labcorp
Classification: Uncertain significance. Last evaluated: 2025-01-20. Review status: criteria provided, single submitter. Criteria: Invitae Variant Classification Sherloc (09022015). Collection method: clinical testing. Allele origin: germline.
Comment: This sequence change replaces serine, which is neutral and polar, with tyrosine, which is neutral and polar, at codon 342 of the MCM2 protein (p.Ser342Tyr). The frequency data for this variant in the population databases is considered unreliable, as metrics indicate poor data quality at this position in the gnomAD database. This variant has not been reported in the literature in individuals affected with MCM2-related conditions. Invitae Evidence Modeling of protein sequence and biophysical properties (such as structural, functional, and spatial information, amino acid conservation, physicochemical variation, residue mobility, and thermodynamic stability) indicates that this missense variant is not expected to disrupt MCM2 protein function with a negative predictive value of 80%. In summary, the available evidence is currently insufficient to determine the role of this variant in disease. Therefore, it has been classified as a Variant of Uncertain Significance.

Ambry Genetics
Classification: Uncertain significance. Last evaluated: 2024-12-25. Review status: criteria provided, single submitter. Criteria: Ambry Variant Classification Scheme 2023. Collection method: clinical testing. Allele origin: germline.